The following is an entry in ClinVar:

ClinVar aggregate classification (germline): Conflicting classifications of pathogenicity. Review status: criteria provided, conflicting classifications (1 of 4 stars). 4 submissions from 4 submitters: Uncertain significance (3); Benign (1). Last evaluated 2026-04-09.

Conditions:
Primary ciliary dyskinesia. Also called: Ciliary dyskinesia. Identifiers: Orphanet 244, MedGen C0008780, MONDO:0016575, HP:0012265.

Allele frequency attached by ClinVar (database versions not stated): ESP Exome Variant Server 0.00008; TOPMed 0.00009; gnomAD exomes 0.00014 and 0.00016; gnomAD 0.00012 and 0.00011; ExAC 0.00022.
gnomAD v4.1: 229 of 1,613,744 alleles (0.014%); highest among the groups gnomAD compares: Non-Finnish European, 0.018%; 1 homozygote.

Submissions (4):

GeneDx
Classification: Uncertain significance. Last evaluated: 2026-04-09. Review status: criteria provided, single submitter. Criteria: GeneDx Variant Classification Process June 2021. Collection method: clinical testing. Allele origin: germline.
Comment: In silico analysis supports that this missense variant has a deleterious effect on protein structure/function; Has not been previously published as pathogenic or benign to our knowledge; This variant is associated with the following publications: (PMID: Kinnersley2022[preprint])

Labcorp Genetics (formerly Invitae), Labcorp
Classification: Benign for Primary ciliary dyskinesia. Last evaluated: 2025-10-14. Review status: criteria provided, single submitter. Criteria: Invitae Variant Classification Sherloc (09022015). Collection method: clinical testing. Allele origin: germline.

Ambry Genetics
Classification: Uncertain significance for Primary ciliary dyskinesia. Last evaluated: 2023-09-20. Review status: criteria provided, single submitter. Criteria: Ambry Variant Classification Scheme 2023. Collection method: clinical testing. Allele origin: germline.

Laboratory for Molecular Medicine, Mass General Brigham Personalized Medicine
Classification: Uncertain significance. Last evaluated: 2021-01-26. Review status: criteria provided, single submitter. Criteria: LMM Criteria. Collection method: clinical testing. Allele origin: germline. Inheritance: Autosomal recessive inheritance. Observed: 1 variant allele.
Comment: The p.Asp1165Gly variant in DNAH11 has not been previously reported in individuals with primary ciliary dyskinesia but has been identified in 0.03% (43/128306) of European chromosomes by gnomAD, including one homozygous individual. This variant has also been reported in ClinVar (Variation ID 454670). Computational prediction tools and conservation analyses do not provide strong support for or against an impact to the protein. In summary, the clinical significance of this variant is uncertain. ACMG/AMP Criteria applied: None.

NM_001277115.2(DNAH11):c.3494A>G (p.Asp1165Gly)

Gene: DNAH11 (dynein axonemal heavy chain 11; plus strand). Cytogenetic location: 7p15.3.
Variant type: single nucleotide variant.
Coding change: c.3494A>G on transcript NM_001277115.2 (MANE Select); coding-DNA position 3494, A replaced by G.
Protein change: p.Asp1165Gly; replaces aspartic acid 1165 with glycine.
Molecular consequence: missense variant.
Genome position (GRCh38, 1-based): chr7:21,601,464, A>G. VCF-style: chr7-21601464-A-G. GRCh37 (hg19) VCF-style: chr7-21641082-A-G.
Other names: short protein forms D1165G.
Identifiers: ClinVar variation 454670 (VCV000454670.17), dbSNP rs370436662, ClinGen allele CA4179655.